The following is an entry in ClinVar:

ClinVar aggregate classification (germline): Uncertain significance (1 of 4 stars; one submission).

Submission:

Labcorp Genetics (formerly Invitae), Labcorp
Classification: Uncertain significance. Last evaluated: 2025-07-16. Review status: criteria provided, single submitter. Criteria: Invitae Variant Classification Sherloc (09022015). Collection method: clinical testing. Allele origin: germline.
Comment: This sequence change replaces glutamine, which is neutral and polar, with arginine, which is basic and polar, at codon 9 of the MAPKAPK3 protein (p.Gln9Arg). This variant is present in population databases (no rsID available, gnomAD 0.001%). This variant has not been reported in the literature in individuals affected with MAPKAPK3-related conditions. An algorithm developed to predict the effect of missense changes on protein structure and function (PolyPhen-2) suggests that this variant is likely to be tolerated. In summary, the available evidence is currently insufficient to determine the role of this variant in disease. Therefore, it has been classified as a Variant of Uncertain Significance.

NM_001243925.2(MAPKAPK3):c.26A>G (p.Gln9Arg)

Gene: MAPKAPK3 (MAPK activated protein kinase 3; plus strand). Cytogenetic location: 3p21.2.
Variant type: single nucleotide variant.
Coding change: c.26A>G on transcript NM_001243925.2 (MANE Select); coding-DNA position 26, A replaced by G.
Protein change: p.Gln9Arg; replaces glutamine 9 with arginine.
Molecular consequence: missense variant.
Genome position (GRCh38, 1-based): chr3:50,617,591, A>G. VCF-style: chr3-50617591-A-G. GRCh37 (hg19) VCF-style: chr3-50655022-A-G.
Other names: c.26A>G, p.Gln9Arg (NM_001243926.2, NM_004635.5); short protein forms Q9R.
Identifiers: ClinVar variation 4761068 (VCV004761068.1).
Genomic context (GRCh38, chr3:50,617,591, plus strand): 5'-AGGCTGGGGCCGCCTCTGAGCGCCCCGCGGGGGCCATGGATGGTGAAACAGCAGAGGAGC[A>G]GGGGGGCCCTGTGCCCCCGCCAGTTGCACCCGGCGGACCCGGCTTGGGCGGTGCTCCGGG-3'
Protein context (NP_001230854.1, residues 1-19): MDGETAEE[Gln9Arg]GGPVPPPVAP